The following is an entry in ClinVar:

NM_001184.4(ATR):c.1006C>T (p.Arg336Trp)

Gene: ATR (ATR checkpoint kinase; minus strand). Cytogenetic location: 3q23.
Variant type: single nucleotide variant.
Coding change: c.1006C>T on transcript NM_001184.4 (MANE Select); coding-DNA position 1006, C replaced by T.
Protein change: p.Arg336Trp; replaces arginine 336 with tryptophan.
Molecular consequence: missense variant.
Genome position (GRCh38, 1-based): chr3:142,562,396, G>A on the plus strand (C>T on the coding strand, the complement: ATR is on the minus strand). VCF-style: chr3-142562396-G-A. GRCh37 (hg19) VCF-style: chr3-142281238-G-A.
Other names: c.1006C>T, p.Arg336Trp (NM_001354579.2); short protein forms R336W.
Identifiers: ClinVar variation 343620 (VCV000343620.14), dbSNP rs886058056, ClinGen allele CA10617423.
Genomic context (GRCh38, chr3:142,562,396, plus strand): 5'-ATTTAAGGAAATACTGCAGTAAATGGCACAAAGCTGCTTTTAGCAAATCAGACTTAAGCC[G>A]CATGAGCACACCGTCTTCAAACATGACACAGAGTTTTTCCAGCAGCATATTTAAATAGAC-3'
Protein context (NP_001175.2, residues 326-346): CVMFEDGVLM[Arg336Trp]LKSDLLKAAL

ClinVar aggregate classification (germline): Uncertain significance. Review status: criteria provided, multiple submitters, no conflicts (2 of 4 stars). 7 submissions from 6 submitters: Uncertain significance (7). Last evaluated 2026-09-21.

Conditions:
ATR-related disorder. Also called: ATR-related condition.
Familial cutaneous telangiectasia and oropharyngeal predisposition cancer syndrome. Identifiers: Orphanet 313846, MedGen C3281203, MONDO:0013806, OMIM 614564.
Inborn genetic diseases. Identifiers: MedGen C0950123, MeSH D030342.
Seckel syndrome 1 (SCKL1). Also called: MICROCEPHALIC PRIMORDIAL DWARFISM I. Identifiers: Orphanet 808, MedGen C4551474, MONDO:0008869, OMIM 210600.

Allele frequency attached by ClinVar (database versions not stated): gnomAD exomes below 0.00001; gnomAD 0.00002; TOPMed 0.00002.

Submissions (7):

PreventionGenetics, part of Exact Sciences
Classification: Uncertain significance for ATR-related condition. Last evaluated: 2026-09-21. Review status: criteria provided, single submitter. Criteria: ACMG Guidelines, 2015. Collection method: clinical testing. Allele origin: germline.
Comment: The ATR c.1006C>T variant is predicted to result in the amino acid substitution p.Arg336Trp. To our knowledge, this variant has not been reported in the literature. This variant has been reported in 1 heterozygous individual within the ‘other’ subpopulation in gnomAD. At this time, the clinical significance of this variant is uncertain due to the absence of conclusive functional and genetic evidence.

Labcorp Genetics (formerly Invitae), Labcorp
Classification: Uncertain significance. Last evaluated: 2025-11-15. Review status: criteria provided, single submitter. Criteria: Invitae Variant Classification Sherloc (09022015). Collection method: clinical testing. Allele origin: germline.
Comment: This sequence change replaces arginine, which is basic and polar, with tryptophan, which is neutral and slightly polar, at codon 336 of the ATR protein (p.Arg336Trp). This variant is present in population databases (no rsID available, gnomAD 0.0009%). This variant has not been reported in the literature in individuals affected with ATR-related conditions. ClinVar contains an entry for this variant (Variation ID: 343620). An algorithm developed to predict the effect of missense changes on protein structure and function outputs the following: PolyPhen-2: "Benign". The tryptophan amino acid residue is found in multiple mammalian species, which suggests that this missense change does not adversely affect protein function. In summary, the available evidence is currently insufficient to determine the role of this variant in disease. Therefore, it has been classified as a Variant of Uncertain Significance.

Genome-Nilou Lab
Classification: Uncertain significance for Seckel syndrome 1. Last evaluated: 2023-02-08. Review status: criteria provided, single submitter. Criteria: ACMG Guidelines, 2015. Collection method: clinical testing. Allele origin: germline.

Genome-Nilou Lab
Classification: Uncertain significance for Familial cutaneous telangiectasia and oropharyngeal predisposition cancer syndrome. Last evaluated: 2023-02-08. Review status: criteria provided, single submitter. Criteria: ACMG Guidelines, 2015. Collection method: clinical testing. Allele origin: germline.

Ambry Genetics
Classification: Uncertain significance for Inborn genetic diseases. Last evaluated: 2022-09-03. Review status: criteria provided, single submitter. Criteria: Ambry Variant Classification Scheme 2023. Collection method: clinical testing. Allele origin: germline.
Comment: The p.R336W variant (also known as c.1006C>T), located in coding exon 4 of the ATR gene, results from a C to T substitution at nucleotide position 1006. The arginine at codon 336 is replaced by tryptophan, an amino acid with dissimilar properties. This amino acid position is conserved. In addition, this alteration is predicted to be tolerated by in silico analysis. Since supporting evidence is limited at this time, the clinical significance of this alteration remains unclear.

Revvity Omics, Revvity
Classification: Uncertain significance. Last evaluated: 2019-05-31. Review status: criteria provided, single submitter. Criteria: ACMG Guidelines, 2015. Collection method: clinical testing. Allele origin: germline.

Illumina Laboratory Services, Illumina
Classification: Uncertain significance for Seckel syndrome 1. Last evaluated: 2018-01-13. Review status: criteria provided, single submitter. Criteria: ICSL Variant Classification Criteria 13 December 2019. Collection method: clinical testing. Allele origin: germline.